The following is an entry in ClinVar:

ClinVar aggregate classification (germline): Uncertain significance (1 of 4 stars; one submission).

Conditions:
Episodic ataxia type 2 (EA2). Also called: ACETAZOLAMIDE-RESPONSIVE HEREDITARY PAROXYSMAL CEREBELLAR ATAXIA; ATAXIA, EPISODIC, WITH NYSTAGMUS; ATAXIA, FAMILIAL PAROXYSMAL; CEREBELLAR ATAXIA, PAROXYSMAL, ACETAZOLAMIDE-RESPONSIVE; CEREBELLOPATHY, HEREDITARY PAROXYSMAL; EPISODIC ATAXIA, NYSTAGMUS-ASSOCIATED. Identifiers: Orphanet 97, MedGen C1720416, MONDO:0007163, OMIM 108500.
Developmental and epileptic encephalopathy, 42 (DEE42A). Also called: Epileptic encephalopathy, early infantile, 42; DEVELOPMENTAL AND EPILEPTIC ENCEPHALOPATHY 42A; EPILEPTIC ENCEPHALOPATHY, EARLY INFANTILE, 42A. Identifiers: MedGen C4310716, MONDO:0014917, OMIM 617106.

gnomAD v4.1: 3 of 1,610,420 alleles (0.00019%); highest among the groups gnomAD compares: East Asian, 0.0022%; no homozygotes.

Submission:

Labcorp Genetics (formerly Invitae), Labcorp
Classification: Uncertain significance for Developmental and epileptic encephalopathy, 42; Episodic ataxia type 2. Last evaluated: 2025-06-22. Review status: criteria provided, single submitter. Criteria: Invitae Variant Classification Sherloc (09022015). Collection method: clinical testing. Allele origin: germline.
Comment: This sequence change replaces threonine, which is neutral and polar, with methionine, which is neutral and non-polar, at codon 698 of the CACNA1A protein (p.Thr698Met). This variant is present in population databases (no rsID available, gnomAD 0.06%). This variant has not been reported in the literature in individuals affected with CACNA1A-related conditions. Invitae Evidence Modeling of protein sequence and biophysical properties (such as structural, functional, and spatial information, amino acid conservation, physicochemical variation, residue mobility, and thermodynamic stability) has been performed for this missense variant. However, the output from this modeling did not meet the statistical confidence thresholds required to predict the impact of this variant on CACNA1A protein function. In summary, the available evidence is currently insufficient to determine the role of this variant in disease. Therefore, it has been classified as a Variant of Uncertain Significance.

NM_001127222.2(CACNA1A):c.2090C>T (p.Thr697Met)

Gene: CACNA1A (calcium voltage-gated channel subunit alpha1 A; minus strand). Cytogenetic location: 19p13.13.
Variant type: single nucleotide variant.
Coding change: c.2090C>T on transcript NM_001127222.2 (MANE Select); coding-DNA position 2090, C replaced by T.
Protein change: p.Thr697Met; replaces threonine 697 with methionine.
Molecular consequence: missense variant.
Genome position (GRCh38, 1-based): chr19:13,303,781, G>A on the plus strand (C>T on the coding strand, the complement: CACNA1A is on the minus strand). VCF-style: chr19-13303781-G-A. GRCh37 (hg19) VCF-style: chr19-13414595-G-A.
Other names: c.2093C>T, p.Thr698Met (NM_000068.4, NM_001127221.2, NM_001174080.2 and 1 more transcripts); short protein forms T697M, T698M.
Identifiers: ClinVar variation 4795086 (VCV004795086.1).